The following is an entry in ClinVar:

ClinVar aggregate classification (germline): Likely benign. Review status: criteria provided, multiple submitters, no conflicts (2 of 4 stars). 6 submissions from 6 submitters: Likely benign (6). Last evaluated 2026-03-27.

Conditions:
Cardiovascular phenotype. Identifiers: MedGen CN230736.
Catecholaminergic polymorphic ventricular tachycardia 1. Also called: RYR2-Related Catecholaminergic Polymorphic Ventricular Tachycardia; VENTRICULAR TACHYCARDIA, STRESS-INDUCED POLYMORPHIC 1; VENTRICULAR TACHYCARDIA, CATECHOLAMINERGIC POLYMORPHIC, 1, WITH OR WITHOUT ATRIAL DYSFUNCTION AND/OR DILATED CARDIOMYOPATHY. Identifiers: Orphanet 3286, MedGen C1631597, MONDO:0011484, OMIM 604772.
Cardiomyopathy (CMYO). Also called: Cardiomyopathies. Identifiers: Orphanet 167848, MedGen C0878544, MONDO:0004994, HP:0001638. Inheritance: Various modes of inheritance.

Allele frequency attached by ClinVar (database versions not stated): gnomAD 0.00001; gnomAD exomes 0.00001; ExAC 0.00002; TOPMed 0.00002; ESP Exome Variant Server 0.00008.
gnomAD v4.1: 16 of 1,611,582 alleles (0.00099%); highest among the groups gnomAD compares: African/African-American, 0.0027%; no homozygotes.

Submissions (6):

Molecular Diagnostic Laboratory for Inherited Cardiovascular Disease, Montreal Heart Institute
Classification: Likely benign. Last evaluated: 2026-03-27. Review status: criteria provided, single submitter. Criteria: ACMG Guidelines, 2015. Collection method: clinical testing. Allele origin: germline. Affected: no.

Labcorp Genetics (formerly Invitae), Labcorp
Classification: Likely benign for Catecholaminergic polymorphic ventricular tachycardia 1. Last evaluated: 2025-11-05. Review status: criteria provided, single submitter. Criteria: Invitae Variant Classification Sherloc (09022015). Collection method: clinical testing. Allele origin: germline.

Color Diagnostics, LLC DBA Color Health
Classification: Likely benign for Cardiomyopathy. Last evaluated: 2024-04-24. Review status: criteria provided, single submitter. Criteria: ACMG Guidelines, 2015. Collection method: clinical testing. Allele origin: germline.

Blueprint Genetics
Classification: Likely benign. Last evaluated: 2024-01-22. Review status: criteria provided, single submitter. Criteria: ACMG Guidelines, 2015. Collection method: clinical testing. Allele origin: germline.

Ambry Genetics
Classification: Likely benign for Cardiovascular phenotype. Last evaluated: 2019-10-11. Review status: criteria provided, single submitter. Criteria: Ambry Variant Classification Scheme 2023. Collection method: clinical testing. Allele origin: germline.

GeneDx
Classification: Likely benign. Last evaluated: 2017-11-30. Review status: criteria provided, single submitter. Criteria: GeneDx Variant Classification (06012015). Collection method: clinical testing. Allele origin: germline. Affected: yes.
Comment: This variant is considered likely benign or benign based on one or more of the following criteria: it is a conservative change, it occurs at a poorly conserved position in the protein, it is predicted to be benign by multiple in silico algorithms, and/or has population frequency not consistent with disease.

NM_001035.3(RYR2):c.4587A>G (p.Thr1529=)

Gene: RYR2 (ryanodine receptor 2; plus strand). Cytogenetic location: 1q43.
Variant type: single nucleotide variant.
Coding change: c.4587A>G on transcript NM_001035.3 (MANE Select); coding-DNA position 4587, A replaced by G.
Protein change: p.Thr1529=; no amino-acid change (threonine 1529 retained).
Molecular consequence: synonymous variant.
Genome position (GRCh38, 1-based): chr1:237,595,648, A>G. VCF-style: chr1-237595648-A-G. GRCh37 (hg19) VCF-style: chr1-237758948-A-G.
Other names: c.4587A>G, p.Thr1529= (LRG_402t1).
Identifiers: ClinVar variation 513773 (VCV000513773.15), dbSNP rs373148393, ClinGen allele CA086639.
Genomic context (GRCh38, chr1:237,595,648, plus strand): 5'-TGTGGTGGATGCTGCCAGCGGGCTGCTCACATTCATTGCCAATGGCAAGGAACTGAGCAC[A>G]TACTATCAGGTACGCGGTCAGTGATGATATCAGTCTTCTAGGGAGGAAGACTTCTTTCCC-3'
Protein context (NP_001026.2, residues 1519-1539): TFIANGKELS[Thr1529=]YYQVEPSTKL